The following is an entry in ClinVar:

ClinVar aggregate classification (germline): Uncertain significance. Review status: criteria provided, multiple submitters, no conflicts (2 of 4 stars). 2 submissions from 2 submitters: Uncertain significance (2). Last evaluated 2024-11-13.

Allele frequency attached by ClinVar (database versions not stated): TOPMed below 0.00001; ExAC 0.00001; gnomAD 0.00001; gnomAD exomes 0.00001.
gnomAD v4.1: 18 of 1,611,608 alleles (0.0011%); highest among the groups gnomAD compares: South Asian, 0.0022%; no homozygotes.

Submissions (2):

Labcorp Genetics (formerly Invitae), Labcorp
Classification: Uncertain significance. Last evaluated: 2024-11-13. Review status: criteria provided, single submitter. Criteria: Invitae Variant Classification Sherloc (09022015). Collection method: clinical testing. Allele origin: germline.
Comment: This sequence change replaces glycine, which is neutral and non-polar, with serine, which is neutral and polar, at codon 584 of the COL9A3 protein (p.Gly584Ser). This variant is present in population databases (rs780489761, gnomAD 0.006%). This variant has not been reported in the literature in individuals affected with COL9A3-related conditions. ClinVar contains an entry for this variant (Variation ID: 1517816). Invitae Evidence Modeling of protein sequence and biophysical properties (such as structural, functional, and spatial information, amino acid conservation, physicochemical variation, residue mobility, and thermodynamic stability) indicates that this missense variant is expected to disrupt COL9A3 protein function with a positive predictive value of 95%. In summary, the available evidence is currently insufficient to determine the role of this variant in disease. Therefore, it has been classified as a Variant of Uncertain Significance.

Women's Health and Genetics/Laboratory Corporation of America, LabCorp
Classification: Uncertain significance. Last evaluated: 2023-11-07. Review status: criteria provided, single submitter. Criteria: LabCorp Variant Classification Summary - May 2015. Collection method: clinical testing. Allele origin: germline.
Comment: Variant summary: COL9A3 c.1750G>A (p.Gly584Ser) results in a non-conservative amino acid change located in the Collagen triple helix repeat (IPR008160) of the encoded protein sequence. Four of four in-silico tools predict a damaging effect of the variant on protein function. The variant allele was found at a frequency of 1.2e-05 in 246024 control chromosomes (gnomAD). The available data on variant occurrences in the general population are insufficient to allow any conclusion about variant significance. To our knowledge, no occurrence of c.1750G>A in individuals affected with Epiphyseal Dysplasia, Multiple, 3 and no experimental evidence demonstrating its impact on protein function have been reported. One submitter has cited clinical-significance assessments for this variant to ClinVar after 2014 and has classified the variant as uncertain significance. Based on the evidence outlined above, the variant was classified as uncertain significance.

NM_001853.4(COL9A3):c.1750G>A (p.Gly584Ser)

Gene: COL9A3 (collagen type IX alpha 3 chain; plus strand). Cytogenetic location: 20q13.33.
Variant type: single nucleotide variant.
Coding change: c.1750G>A on transcript NM_001853.4 (MANE Select); coding-DNA position 1750, G replaced by A.
Protein change: p.Gly584Ser; replaces glycine 584 with serine.
Molecular consequence: missense variant.
Genome position (GRCh38, 1-based): chr20:62,837,229, G>A. VCF-style: chr20-62837229-G-A. GRCh37 (hg19) VCF-style: chr20-61468581-G-A.
Other names: short protein forms G584S.
Identifiers: ClinVar variation 1517816 (VCV001517816.6), dbSNP rs780489761, ClinGen allele CA9950181.
Genomic context (GRCh38, chr20:62,837,229, plus strand): 5'-CCCCCAGGACCCCCAGGCTCCATTGGTCACCCTGGCGCTCGAGGACCCCCTGGATACCGC[G>A]GTCCCACTGGGGAGCTGGGAGACCCCGGGCCCAGAGGTGAGTGTTTGACCCCATGACACG-3'
Protein context (NP_001844.3, residues 574-594): PGARGPPGYR[Gly584Ser]PTGELGDPGP